The following is an entry in ClinVar:

NM_144672.4(OTOA):c.44T>A (p.Phe15Tyr)

Gene: OTOA (otoancorin). Cytogenetic location: 16p12.2.
Variant type: single nucleotide variant.
Coding change: c.44T>A on transcript NM_144672.4 (MANE Select); coding-DNA position 44, T replaced by A.
Protein change: p.Phe15Tyr; replaces phenylalanine 15 with tyrosine.
Molecular consequence: missense variant.
Genome position (GRCh38, 1-based): chr16:21,678,558, T>A. VCF-style: chr16-21678558-T-A. GRCh37 (hg19) VCF-style: chr16-21689879-T-A.
Other names: short protein forms F15Y.
Identifiers: ClinVar variation 47954 (VCV000047954.15), dbSNP rs78970023, ClinGen allele CA142250.

ClinVar aggregate classification (germline): Benign. Review status: criteria provided, multiple submitters, no conflicts (2 of 4 stars). 6 submissions from 6 submitters: Benign (6). Last evaluated 2026-02-03.

Allele frequency attached by ClinVar (database versions not stated): 1000 Genomes Project 0.10304; TOPMed 0.06580; 1000 Genomes Project 30x 0.10134; gnomAD exomes 0.02840 and 0.06810; ESP Exome Variant Server 0.03370; gnomAD 0.05141 and 0.04754; ExAC 0.06236.
gnomAD v4.1: 49,682 of 1,613,658 alleles (3.1%); highest among the groups gnomAD compares: East Asian, 32%; 4,331 homozygotes.

Submissions (6):

Labcorp Genetics (formerly Invitae), Labcorp
Classification: Benign. Last evaluated: 2026-02-03. Review status: criteria provided, single submitter. Criteria: Invitae Variant Classification Sherloc (09022015). Collection method: clinical testing. Allele origin: germline.

Mayo Clinic Laboratories, Mayo Clinic
Classification: Benign. Last evaluated: 2020-10-02. Review status: criteria provided, single submitter. Criteria: ACMG Guidelines, 2015. Collection method: clinical testing. Allele origin: germline. Observed: 14 variant alleles.

GeneDx
Classification: Benign. Last evaluated: 2017-05-09. Review status: criteria provided, single submitter. Criteria: GeneDx Variant Classification (06012015). Collection method: clinical testing. Allele origin: germline. Affected: yes.
Comment: This variant is considered likely benign or benign based on one or more of the following criteria: it is a conservative change, it occurs at a poorly conserved position in the protein, it is predicted to be benign by multiple in silico algorithms, and/or has population frequency not consistent with disease.

Laboratory for Molecular Medicine, Mass General Brigham Personalized Medicine
Classification: Benign. Last evaluated: 2012-05-07. Review status: criteria provided, single submitter. Criteria: LMM Criteria. Collection method: clinical testing. Allele origin: germline. Observed: 199 variant alleles.
Comment: Phe15Tyr in Exon 01 of OTOA: This variant is not expected to have clinical signi ficance because it has been identified in 8.2% (305/3738) of African American ch romosomes from a broad population by the NHLBI Exome Sequencing Project (dbSNP rs78970023).

Breakthrough Genomics
Classification: Benign. Review status: criteria provided, single submitter. Criteria: ACMG Guidelines, 2015. Collection method: not provided. Allele origin: germline. Inheritance: Autosomal recessive inheritance. Affected: yes.

PreventionGenetics, part of Exact Sciences
Classification: Benign. Review status: criteria provided, single submitter. Criteria: ACMG Guidelines, 2015. Collection method: clinical testing. Allele origin: germline.